The following is an entry in ClinVar:

ClinVar aggregate classification (germline): Uncertain significance (0 of 4 stars; one submission).

Conditions:
PLXNA4-related disorder. Also called: PLXNA4-related condition.

Allele frequency attached by ClinVar (database versions not stated): gnomAD 0.00001; ExAC 0.00002; gnomAD exomes 0.00002; TOPMed 0.00002.
gnomAD v4.1: 27 of 1,613,964 alleles (0.0017%); highest among the groups gnomAD compares: African/African-American, 0.0027%; no homozygotes.

Submission:

PreventionGenetics, part of Exact Sciences
Classification: Uncertain significance for PLXNA4-related condition. Last evaluated: 2023-12-14. Review status: no assertion criteria provided. Collection method: clinical testing. Allele origin: germline.
Comment: The PLXNA4 c.3794G>A variant is predicted to result in the amino acid substitution p.Arg1265His. To our knowledge, this variant has not been reported in the literature. This variant is reported in 0.016% of alleles in individuals of East Asian descent in gnomAD. At this time, the clinical significance of this variant is uncertain due to the absence of conclusive functional and genetic evidence.

NM_020911.2(PLXNA4):c.3794G>A (p.Arg1265His)

Gene: PLXNA4 (plexin A4; minus strand). Cytogenetic location: 7q32.3.
Variant type: single nucleotide variant.
Coding change: c.3794G>A on transcript NM_020911.2 (MANE Select); coding-DNA position 3794, G replaced by A.
Protein change: p.Arg1265His; replaces arginine 1265 with histidine.
Molecular consequence: missense variant.
Genome position (GRCh38, 1-based): chr7:132,179,767, C>T on the plus strand (G>A on the coding strand, the complement: PLXNA4 is on the minus strand). VCF-style: chr7-132179767-C-T. GRCh37 (hg19) VCF-style: chr7-131864526-C-T.
Other names: c.3794G>A, p.Arg1265His (NM_001393897.1); short protein forms R1265H.
Identifiers: ClinVar variation 2635708 (VCV002635708.3), dbSNP rs758459805, ClinGen allele CA4489376.
Genomic context (GRCh38, chr7:132,179,767, plus strand): 5'-ACACGGGACTCCAGGTTGTCCATCTGCATCTGCAGCCGCTTCAGCGTGAGGTCACTTTCG[C>T]GGGACTTGCGTTTATAGGCAATGAGCACGGCCACGATGAAAATGATGAGGAGGCCGCCAG-3'
Protein context (NP_065962.1, residues 1255-1275): AVLIAYKRKS[Arg1265His]ESDLTLKRLQ